The following is an entry in ClinVar:

ClinVar aggregate classification (germline): Uncertain significance (1 of 4 stars; one submission).

Submission:

Ambry Genetics
Classification: Uncertain significance. Last evaluated: 2026-06-30. Review status: criteria provided, single submitter. Criteria: Ambry Variant Classification Scheme 2023. Collection method: clinical testing. Allele origin: germline.
Comment: The p.K531I variant (also known as c.1592A>T), located in coding exon 16 of the KIF1B gene, results from an A to T substitution at nucleotide position 1592. The lysine at codon 531 is replaced by isoleucine, an amino acid with dissimilar properties. This amino acid position is conserved. In addition, the in silico prediction for this alteration is inconclusive. Based on the available evidence, the clinical significance of this variant remains unclear.

NM_001365951.3(KIF1B):c.1730A>T (p.Lys577Ile)

Gene: KIF1B (kinesin family member 1B; plus strand). Cytogenetic location: 1p36.22.
Variant type: single nucleotide variant.
Coding change: c.1730A>T on transcript NM_001365951.3 (MANE Select); coding-DNA position 1730, A replaced by T.
Protein change: p.Lys577Ile; replaces lysine 577 with isoleucine.
Molecular consequence: missense variant.
Genome position (GRCh38, 1-based): chr1:10,295,719, A>T. VCF-style: chr1-10295719-A-T. GRCh37 (hg19) VCF-style: chr1-10355777-A-T.
Other names: c.1730A>T, p.Lys577Ile (NM_001365952.1); c.1592A>T, p.Lys531Ile (NM_001365953.1, NM_015074.3, NM_183416.4); short protein forms K531I, K577I.
Identifiers: ClinVar variation 5023177 (VCV005023177.1).